The following is an entry in ClinVar:

ClinVar aggregate classification (germline): Benign (1 of 4 stars; one submission).

Conditions:
MELAS syndrome (MELAS). Also called: Juvenile myopathy, encephalopathy, lactic acidosis, stroke. Identifiers: Orphanet 550, MedGen C0162671, MONDO:0010789, OMIM 540000.

Submission:

Wong Mito Lab, Molecular and Human Genetics, Baylor College of Medicine
Classification: Benign for MELAS syndrome. Last evaluated: 2019-07-12. Review status: criteria provided, single submitter. Criteria: Modified ACMG Guidelines (Unpublished). Collection method: clinical testing. Allele origin: germline.
Comment: The NC_012920.1:m.10427G>A variant in MT-TR gene is interpreted to be a Benign variant based on the modified ACMG guidelines (unpublished). This variant meets the following evidence codes reported in the guidelines: BS1, BS2, BP4

Literature cited by the submitters: PubMed 31965079.

NC_012920.1(MT-TR):m.10427G>A

Gene: MT-TR (mitochondrially encoded tRNA arginine; plus strand).
Variant type: single nucleotide variant.
Genome position: chrM-10427-G-A.
Identifiers: ClinVar variation 690118 (VCV000690118.1), dbSNP rs1556423809, ClinGen allele CA913163201.